The following is an entry in ClinVar:

ClinVar aggregate classification (germline): Uncertain significance (1 of 4 stars; one submission).

Allele frequency attached by ClinVar (database versions not stated): TOPMed 0.00001; gnomAD 0.00002; gnomAD exomes 0.00002.
gnomAD v4.1: 26 of 1,600,744 alleles (0.0016%); highest among the groups gnomAD compares: East Asian, 0.0045%; no homozygotes.

Submission:

Labcorp Genetics (formerly Invitae), Labcorp
Classification: Uncertain significance. Last evaluated: 2022-06-13. Review status: criteria provided, single submitter. Criteria: Invitae Variant Classification Sherloc (09022015). Collection method: clinical testing. Allele origin: germline.
Comment: Algorithms developed to predict the effect of missense changes on protein structure and function output the following: SIFT: "Tolerated"; PolyPhen-2: "Benign"; Align-GVGD: "Class C0". The histidine amino acid residue is found in multiple mammalian species, which suggests that this missense change does not adversely affect protein function. In summary, the available evidence is currently insufficient to determine the role of this variant in disease. Therefore, it has been classified as a Variant of Uncertain Significance. This variant has not been reported in the literature in individuals affected with MAPKBP1-related conditions. The frequency data for this variant in the population databases is considered unreliable, as metrics indicate poor data quality at this position in the gnomAD database. This sequence change replaces arginine, which is basic and polar, with histidine, which is basic and polar, at codon 1431 of the MAPKBP1 protein (p.Arg1431His).

NM_014994.3(MAPKBP1):c.4274G>A (p.Arg1425His)

Gene: MAPKBP1 (mitogen-activated protein kinase binding protein 1; plus strand). Cytogenetic location: 15q15.1.
Variant type: single nucleotide variant.
Coding change: c.4274G>A on transcript NM_014994.3 (MANE Select); coding-DNA position 4274, G replaced by A.
Protein change: p.Arg1425His; replaces arginine 1425 with histidine.
Molecular consequence: missense variant. On other transcripts: non-coding transcript variant (2).
Genome position (GRCh38, 1-based): chr15:41,824,544, G>A. VCF-style: chr15-41824544-G-A. GRCh37 (hg19) VCF-style: chr15-42116742-G-A.
Other names: c.4292G>A, p.Arg1431His (NM_001128608.2); c.3443G>A, p.Arg1148His (NM_001265611.2); short protein forms R1425H, R1148H, R1431H.
Identifiers: ClinVar variation 2190315 (VCV002190315.4), dbSNP rs752736329, ClinGen allele CA269757052.